The following is an entry in ClinVar:

NM_000399.5(EGR2):c.169+261G>C

Gene: EGR2 (early growth response 2; minus strand). Cytogenetic location: 10q21.3.
Variant type: single nucleotide variant.
Coding change: c.169+261G>C on transcript NM_000399.5 (MANE Select); 261 bases into the intron after coding-DNA position 169, G replaced by C.
Molecular consequence: intron variant.
Genome position (GRCh38, 1-based): chr10:62,815,600, C>G on the plus strand (G>C on the coding strand, the complement: EGR2 is on the minus strand). VCF-style: chr10-62815600-C-G. GRCh37 (hg19) VCF-style: chr10-64575360-C-G.
Other names: c.169+261G>C (NM_001136178.2, NM_001136177.3); c.19+261G>C (NM_001321037.2, NM_001136179.3).
Identifiers: ClinVar variation 669763 (VCV000669763.1), dbSNP rs2297489, ClinGen allele CA16391960.
Genomic context (GRCh38, chr10:62,815,600, plus strand): 5'-AGTGCTGCCGGCCAGAGGGCCTACGCAAGCCTCGAAACCCGGGGGGACGCCTCTTCCACC[C>G]CCATCCCTGCGCTCGCCCGGGGCTGGGCGCGCCGGGGCGCACGCACGCCGGTTTGCTGGC-3'

ClinVar aggregate classification (germline): Benign (1 of 4 stars; one submission).

Allele frequency attached by ClinVar (database versions not stated): gnomAD 0.05446 and 0.05729; TOPMed 0.05490; 1000 Genomes Project 30x 0.08604; 1000 Genomes Project 0.08946.

Submission:

GeneDx
Classification: Benign. Last evaluated: 2018-06-16. Review status: criteria provided, single submitter. Criteria: GeneDx Variant Classification (06012015). Collection method: clinical testing. Allele origin: germline. Affected: yes.
Comment: This variant is considered likely benign or benign based on one or more of the following criteria: it is a conservative change, it occurs at a poorly conserved position in the protein, it is predicted to be benign by multiple in silico algorithms, and/or has population frequency not consistent with disease.